The following is an entry in ClinVar:

ClinVar aggregate classification (germline): Uncertain significance (1 of 4 stars; one submission).

Conditions:
Inborn genetic diseases. Identifiers: MedGen C0950123, MeSH D030342.

gnomAD v4.1: 1 of 1,614,086 alleles (0.000062%); no homozygotes.

Submission:

Ambry Genetics
Classification: Uncertain significance for Inborn genetic diseases. Last evaluated: 2024-08-28. Review status: criteria provided, single submitter. Criteria: Ambry Variant Classification Scheme 2023. Collection method: clinical testing. Allele origin: germline.
Comment: The p.V518I variant (also known as c.1552G>A), located in coding exon 11 of the ACD gene, results from a G to A substitution at nucleotide position 1552. The valine at codon 518 is replaced by isoleucine, an amino acid with highly similar properties. This amino acid position is conserved. In addition, this alteration is predicted to be tolerated by in silico analysis. Based on the available evidence, the clinical significance of this variant remains unclear.

NM_001082486.2(ACD):c.1294G>A (p.Val432Ile)

Gene: ACD (ACD shelterin complex subunit and telomerase recruitment factor; minus strand). Cytogenetic location: 16q22.1.
Variant type: single nucleotide variant.
Coding change: c.1294G>A on transcript NM_001082486.2 (MANE Select); coding-DNA position 1294, G replaced by A.
Protein change: p.Val432Ile; replaces valine 432 with isoleucine.
Molecular consequence: missense variant.
Genome position (GRCh38, 1-based): chr16:67,657,766, C>T on the plus strand (G>A on the coding strand, the complement: ACD is on the minus strand). VCF-style: chr16-67657766-C-T. GRCh37 (hg19) VCF-style: chr16-67691669-C-T.
Other names: c.1207G>A, p.Val403Ile (NM_001410884.1); c.1285G>A, p.Val429Ile (NM_022914.3); short protein forms V429I, V403I, V432I.
Identifiers: ClinVar variation 3480239 (VCV003480239.1).